The following is an entry in ClinVar:

ClinVar aggregate classification (germline): Uncertain significance (1 of 4 stars; one submission).

Conditions:
Inborn genetic diseases. Identifiers: MedGen C0950123, MeSH D030342.

Submission:

Ambry Genetics
Classification: Uncertain significance for Inborn genetic diseases. Last evaluated: 2026-07-30. Review status: criteria provided, single submitter. Criteria: Ambry Variant Classification Scheme 2023. Collection method: clinical testing. Allele origin: germline.
Comment: The p.P1962L variant (also known as c.5885C>T), located in coding exon 22 of the FANCM gene, results from a C to T substitution at nucleotide position 5885. The proline at codon 1962 is replaced by leucine, an amino acid with similar properties. This amino acid position is conserved. In addition, this alteration is predicted to be tolerated by in silico analysis. Based on the available evidence, the clinical significance of this variant remains unclear.

NM_020937.4(FANCM):c.5885C>T (p.Pro1962Leu)

Gene: FANCM (FA complementation group M; plus strand). Cytogenetic location: 14q21.2.
Variant type: single nucleotide variant.
Coding change: c.5885C>T on transcript NM_020937.4 (MANE Select); coding-DNA position 5885, C replaced by T.
Protein change: p.Pro1962Leu; replaces proline 1962 with leucine.
Molecular consequence: missense variant.
Genome position (GRCh38, 1-based): chr14:45,198,812, C>T. VCF-style: chr14-45198812-C-T. GRCh37 (hg19) VCF-style: chr14-45668015-C-T.
Other names: c.5807C>T, p.Pro1936Leu (NM_001308133.2); short protein forms P1936L, P1962L.
Identifiers: ClinVar variation 5036656 (VCV005036656.1).
Genomic context (GRCh38, chr14:45,198,812, plus strand): 5'-CAGATTTGCTAAAGGAACTGTCTTTAGTGGAACAAAGAAAGAATGTTGGTATTCATGTTC[C>T]AACAGTGGTGAATAGTAATAAAAGTGAGGCACTCCAGTTTTATTTAAGTATTCCCAATAT-3'
Protein context (NP_065988.1, residues 1952-1972): EQRKNVGIHV[Pro1962Leu]TVVNSNKSEA